The following is an entry in ClinVar:

ClinVar aggregate classification (germline): Uncertain significance. Review status: criteria provided, multiple submitters, no conflicts (2 of 4 stars). 3 submissions from 3 submitters: Uncertain significance (2). 1 of the submissions does not count toward it. Last evaluated 2024-11-11.

Conditions:
Neuronal ceroid lipofuscinosis 2. Also called: JANSKY-BIELSCHOWSKY DISEASE NEURONAL CEROID LIPOFUSCINOSIS, LATE INFANTILE; TPP1-Related Neuronal Ceroid-Lipofuscinosis. Identifiers: Orphanet 168491, Orphanet 228349, Orphanet 79264, MedGen C1876161, MONDO:0008769, OMIM 204500.

Allele frequency attached by ClinVar (database versions not stated): 1000 Genomes Project 0.00020; 1000 Genomes Project 30x 0.00031.
gnomAD v4.1: 24 of 1,614,034 alleles (0.0015%); highest among the groups gnomAD compares: African/African-American, 0.008%; no homozygotes.

Submissions (3):

Labcorp Genetics (formerly Invitae), Labcorp
Classification: Uncertain significance. Last evaluated: 2024-11-11. Review status: criteria provided, single submitter. Criteria: Invitae Variant Classification Sherloc (09022015). Collection method: clinical testing. Allele origin: germline.
Comment: This sequence change replaces glycine, which is neutral and non-polar, with arginine, which is basic and polar, at codon 270 of the TPP1 protein (p.Gly270Arg). This variant is present in population databases (rs561854371, gnomAD 0.02%). This variant has not been reported in the literature in individuals affected with TPP1-related conditions. ClinVar contains an entry for this variant (Variation ID: 527742). Invitae Evidence Modeling of protein sequence and biophysical properties (such as structural, functional, and spatial information, amino acid conservation, physicochemical variation, residue mobility, and thermodynamic stability) indicates that this missense variant is expected to disrupt TPP1 protein function with a positive predictive value of 95%. In summary, the available evidence is currently insufficient to determine the role of this variant in disease. Therefore, it has been classified as a Variant of Uncertain Significance.

Women's Health and Genetics/Laboratory Corporation of America, LabCorp
Classification: Uncertain significance. Last evaluated: 2024-06-14. Review status: criteria provided, single submitter. Criteria: LabCorp Variant Classification Summary - May 2015. Collection method: clinical testing. Allele origin: germline.
Comment: Variant summary: TPP1 c.808G>A (p.Gly270Arg) results in a non-conservative amino acid change located in the Sedolisin domain (IPR030400) of the encoded protein sequence. Five of five in-silico tools predict a damaging effect of the variant on protein function. The variant allele was found at a frequency of 3.2e-05 in 251404 control chromosomes. The available data on variant occurrences in the general population are insufficient to allow any conclusion about variant significance. To our knowledge, no occurrence of c.808G>A in individuals affected with Neuronal Ceroid-Lipofuscinosis (Batten Disease) and no experimental evidence demonstrating its impact on protein function have been reported. ClinVar contains an entry for this variant (Variation ID: 527742). Based on the evidence outlined above, the variant was classified as uncertain significance.

Natera, Inc.
Classification: Uncertain significance for Neuronal ceroid lipofuscinosis 2. Last evaluated: 2019-11-11. Review status: no assertion criteria provided. Collection method: clinical testing. Allele origin: germline. Not counted in ClinVar's aggregate classification.

NM_000391.4(TPP1):c.808G>A (p.Gly270Arg)

Gene: TPP1 (tripeptidyl peptidase 1; minus strand). Cytogenetic location: 11p15.4.
Variant type: single nucleotide variant.
Coding change: c.808G>A on transcript NM_000391.4 (MANE Select); coding-DNA position 808, G replaced by A.
Protein change: p.Gly270Arg; replaces glycine 270 with arginine.
Molecular consequence: missense variant.
Genome position (GRCh38, 1-based): chr11:6,616,739, C>T on the plus strand (G>A on the coding strand, the complement: TPP1 is on the minus strand). VCF-style: chr11-6616739-C-T. GRCh37 (hg19) VCF-style: chr11-6637970-C-T.
Other names: short protein forms G270R.
Identifiers: ClinVar variation 527742 (VCV000527742.6), dbSNP rs561854371, ClinGen allele CA5858831.